The following is an entry in ClinVar:

NM_003896.4(ST3GAL5):c.206+1G>C

Gene: ST3GAL5 (ST3 beta-galactoside alpha-2,3-sialyltransferase 5; minus strand). Cytogenetic location: 2p11.2.
Variant type: single nucleotide variant.
Coding change: c.206+1G>C on transcript NM_003896.4 (MANE Select); the canonical splice donor site of the intron after coding-DNA position 206, G replaced by C.
Molecular consequence: splice donor variant.
Genome position (GRCh38, 1-based): chr2:85,863,361, C>G on the plus strand (G>C on the coding strand, the complement: ST3GAL5 is on the minus strand). VCF-style: chr2-85863361-C-G. GRCh37 (hg19) VCF-style: chr2-86090484-C-G.
Other names: c.-356+1G>C (NM_001354226.2, NM_001354223.2); c.-796+1G>C (NM_001354233.2); c.-419+1G>C (NM_001354224.2); c.122+1G>C (NM_001354227.2, NM_001354229.2, NM_001354238.1); c.137+1G>C (NM_001042437.2); c.206+1G>C (NM_001363847.1); c.-760+1G>C (NM_001354234.1).
Identifiers: ClinVar variation 4865173 (VCV004865173.1).

ClinVar aggregate classification (germline): Likely pathogenic (1 of 4 stars; one submission).

Conditions:
Inborn genetic diseases. Identifiers: MedGen C0950123, MeSH D030342.

Submission:

Ambry Genetics
Classification: Likely pathogenic for Inborn genetic diseases. Last evaluated: 2026-04-16. Review status: criteria provided, single submitter. Criteria: Ambry Variant Classification Scheme 2023. Collection method: clinical testing. Allele origin: germline.
Comment: The c.206+1G>C intronic alteration consists of a G to C substitution one nucleotide after Intron 2 (C) of the ST3GAL5 gene. The stop codon in the predicted resulting transcript occurs in the 5' end of the ST3GAL5 gene. As such, this variant may escape nonsense-mediated mRNA decay and/or be prone to rescue by reinitiation (Rivas, 2015; Lindeboom, 2016; Rhee, 2017). The exact functional effect of this variant is unknown; however, the region predicted to be impacted is critical for protein function (Ambry internal data). This variant was not reported in population-based cohorts in the Genome Aggregation Database (gnomAD). This nucleotide position is highly conserved in available vertebrate species. In silico splice site analysis predicts that this alteration will weaken the native splice donor site. Based on the available evidence, this alteration is classified as likely pathogenic.